The following is an entry in ClinVar:

NM_000478.6(ALPL):c.1190-65C>A

Gene: ALPL (alkaline phosphatase, biomineralization associated; plus strand). Cytogenetic location: 1p36.12.
Variant type: single nucleotide variant.
Coding change: c.1190-65C>A on transcript NM_000478.6 (MANE Select); 65 bases into the intron before coding-DNA position 1190, C replaced by A.
Molecular consequence: intron variant.
Genome position (GRCh38, 1-based): chr1:21,576,457, C>A. VCF-style: chr1-21576457-C-A. GRCh37 (hg19) VCF-style: chr1-21902950-C-A.
Other names: c.1190-65C>A (NM_001369805.2, NM_001369804.2, NM_001369803.2); c.1025-65C>A (NM_001127501.4); c.959-65C>A (NM_001177520.3).
Identifiers: ClinVar variation 1177605 (VCV001177605.7), dbSNP rs1780329, ClinGen allele CA15123368.
Genomic context (GRCh38, chr1:21,576,457, plus strand): 5'-GGCATTGCAGGGCCCTTCAAAGAAGATCCCAGGGGTTACCAAGCCACCAAGGAGCCTAAT[C>A]TGGGGGCTGGGGACTGTACTCCTGGGGCCCCAGCATGACCCCTGAACACCCCCTCCCTGT-3'

ClinVar aggregate classification (germline): Benign. Review status: criteria provided, multiple submitters, no conflicts (2 of 4 stars). 6 submissions from 4 submitters: Benign (6). Last evaluated 2025-08-29.

Conditions:
Hypophosphatasia. Also called: Phosphoethanol-aminuria. Identifiers: Orphanet 436, MedGen C0020630, MeSH D007014, MONDO:0018570.
Adult hypophosphatasia. Identifiers: Orphanet 247676, Orphanet 436, MedGen C0268413, MONDO:1010154, OMIM 146300, MONDO:0007798.
Infantile hypophosphatasia. Identifiers: Orphanet 247651, Orphanet 436, MedGen C0268412, MONDO:1010169, OMIM 241500, MONDO:0009427.
Childhood hypophosphatasia. Identifiers: Orphanet 247667, Orphanet 436, MedGen C0220743, MONDO:1010168, OMIM 241510, MONDO:0009428.

Allele frequency attached by ClinVar (database versions not stated): gnomAD exomes 0.19403; gnomAD 0.24659 and 0.24898; TOPMed 0.25318; 1000 Genomes Project 30x 0.32214; 1000 Genomes Project 0.32268.
gnomAD v4.1: 316,751 of 1,585,492 alleles (20%); highest among the groups gnomAD compares: East Asian, 52%; 36,068 homozygotes.

Submissions (6):

Genomenon, Inc
Classification: Benign for Hypophosphatasia. Last evaluated: 2025-08-29. Review status: criteria provided, single submitter. Criteria: Genomenon Sequence Variant Interpretation Standards. Collection method: curation. Allele origin: germline. Affected: no.
Comment: ALPL c.1190-65C>A is an intronic variant located in intron 10. This variant is present at high allele frequency in population databases. In conclusion, we classify ALPL c.1190-65C>A as a benign variant.

Genome-Nilou Lab
Classification: Benign for Infantile hypophosphatasia. Last evaluated: 2021-07-01. Review status: criteria provided, single submitter. Criteria: ACMG Guidelines, 2015. Collection method: clinical testing. Allele origin: germline. Affected: no.

Genome-Nilou Lab
Classification: Benign for Childhood hypophosphatasia. Last evaluated: 2021-07-01. Review status: criteria provided, single submitter. Criteria: ACMG Guidelines, 2015. Collection method: clinical testing. Allele origin: germline. Affected: no.

Genome-Nilou Lab
Classification: Benign for Adult hypophosphatasia. Last evaluated: 2021-07-01. Review status: criteria provided, single submitter. Criteria: ACMG Guidelines, 2015. Collection method: clinical testing. Allele origin: germline. Affected: no.

GeneDx
Classification: Benign. Last evaluated: 2018-08-20. Review status: criteria provided, single submitter. Criteria: GeneDx Variant Classification Process June 2021. Collection method: clinical testing. Allele origin: germline. Affected: yes.

Breakthrough Genomics
Classification: Benign. Review status: criteria provided, single submitter. Criteria: ACMG Guidelines, 2015. Collection method: not provided. Allele origin: germline. Inheritance: Autosomal recessive inheritance. Affected: yes.